The following is an entry in ClinVar:

ClinVar aggregate classification (germline): Uncertain significance (1 of 4 stars; one submission).

Allele frequency attached by ClinVar (database versions not stated): gnomAD 0.00001; TOPMed below 0.00001.
gnomAD v4.1: 1 of 1,612,816 alleles (0.000062%); highest among the groups gnomAD compares: Non-Finnish European, 0.000085%; no homozygotes.

Submission:

GeneDx
Classification: Uncertain significance. Last evaluated: 2016-11-11. Review status: criteria provided, single submitter. Criteria: GeneDx Variant Classification (06012015). Collection method: clinical testing. Allele origin: germline. Affected: yes.
Comment: A variant of uncertain significance has been identified in the MYL3 gene. The G161D variant has not been published as a pathogenic variant or been reported as a benign variant to our knowledge. This variant was not observed in approximately 6,500 individuals of European and African American ancestry in the NHLBI Exome Sequencing Project or in the Exome Aggregation Consortium (ExAC) data set, indicating it is not a common benign variant in these populations. The G161D variant is a non-conservative amino acid substitution, which is likely to impact secondary protein structure as these residues differ in polarity, charge, size and/or other properties. Additionally, this substitution occurs at a position that is conserved across species. Consequently, in silico analysis predicts this variant is probably damaging to the protein structure/function. A missense variants in the same residue (G161C) has been reported in the Human Gene Mutation Database in association with HCM (Stenson et al., 2014); however, the pathogenicity of this variant has not been definitively determined.Therefore, additional evidence is needed to determine whether this variant is pathogenic or benign.

NM_000258.3(MYL3):c.482G>A (p.Gly161Asp)

Gene: MYL3 (myosin light chain 3; minus strand). Cytogenetic location: 3p21.31.
Variant type: single nucleotide variant.
Coding change: c.482G>A on transcript NM_000258.3 (MANE Select); coding-DNA position 482, G replaced by A.
Protein change: p.Gly161Asp; replaces glycine 161 with aspartic acid.
Molecular consequence: missense variant.
Genome position (GRCh38, 1-based): chr3:46,858,461, C>T on the plus strand (G>A on the coding strand, the complement: MYL3 is on the minus strand). VCF-style: chr3-46858461-C-T. GRCh37 (hg19) VCF-style: chr3-46899951-C-T.
Other names: short protein forms G161D.
Identifiers: ClinVar variation 373241 (VCV000373241.1), dbSNP rs1057518300, ClinGen allele CA16042504.